The following is an entry in ClinVar:

ClinVar aggregate classification (germline): Pathogenic (1 of 4 stars; one submission).

Conditions:
Hereditary factor VIII deficiency disease (HEMA). Also called: HEMOPHILIA, CLASSIC; AUTOSOMAL HEMOPHILIA A; Hemophilia A; Hemophilia A, congenital; HEM A; Factor 8 deficiency, congenital. Identifiers: Orphanet 98878, MedGen C0019069, MONDO:0010602, OMIM 306700.

Submission:

ARUP Laboratories, Molecular Genetics and Genomics, ARUP Laboratories
Classification: Pathogenic for Hereditary factor VIII deficiency disease. Last evaluated: 2022-02-24. Review status: criteria provided, single submitter. Criteria: ARUP Molecular Germline Variant Investigation Process 2021. Collection method: clinical testing. Allele origin: germline.
Comment: The F8 c.1696C>T; p.Leu566Phe variant is reported in several individuals with moderate to severe hemophilia (See link to F8 database and references therein). Additionally, other amino acid substitutions at this codon (p.Leu566Val, p.Leu566Arg) have been reported in individuals with hemophilia(See link to F8 database). The c.1696C>T; p.Leu566Phe variant is also absent from the Genome Aggregation Database, indicating it is not a common polymorphism. The leucine at codon 566 is highly conserved, and computational analyses predict that this variant is deleterious (REVEL: 0.973). Based on available information, this variant is classified as pathogenic. References: Link to F8 database

NM_000132.4(F8):c.1696C>T (p.Leu566Phe)

Gene: F8 (coagulation factor VIII; minus strand). Cytogenetic location: Xq28.
Variant type: single nucleotide variant.
Coding change: c.1696C>T on transcript NM_000132.4 (MANE Select); coding-DNA position 1696, C replaced by T.
Protein change: p.Leu566Phe; replaces leucine 566 with phenylalanine.
Molecular consequence: missense variant.
Genome position (GRCh38, 1-based): chrX:154,957,013, G>A on the plus strand (C>T on the coding strand, the complement: F8 is on the minus strand). VCF-style: chrX-154957013-G-A. GRCh37 (hg19) VCF-style: chrX-154185288-G-A.
Other names: short protein forms L566F.
Identifiers: ClinVar variation 1679506 (VCV001679506.7), dbSNP rs2124094420, ClinGen allele CA414911722.